The following is an entry in ClinVar:

NM_003640.5(ELP1):c.947C>T (p.Pro316Leu)

Gene: ELP1 (elongator acetyltransferase complex subunit 1; minus strand). Cytogenetic location: 9q31.3.
Variant type: single nucleotide variant.
Coding change: c.947C>T on transcript NM_003640.5 (MANE Select); coding-DNA position 947, C replaced by T.
Protein change: p.Pro316Leu; replaces proline 316 with leucine.
Molecular consequence: missense variant. On other transcripts: 5 prime UTR variant (1).
Genome position (GRCh38, 1-based): chr9:108,916,215, G>A on the plus strand (C>T on the coding strand, the complement: ELP1 is on the minus strand). VCF-style: chr9-108916215-G-A. GRCh37 (hg19) VCF-style: chr9-111678495-G-A.
Other names: c.947C>T (NM_003640.4, LRG_251t1); c.605C>T, p.Pro202Leu (NM_001318360.2); c.-101C>T (NM_001330749.2); short protein forms P316L, P202L.
Identifiers: ClinVar variation 364577 (VCV000364577.15), dbSNP rs374814563, ClinGen allele CA5175187.

ClinVar aggregate classification (germline): Conflicting classifications of pathogenicity. Review status: criteria provided, conflicting classifications (1 of 4 stars). 7 submissions from 7 submitters: Uncertain significance (5); Likely benign (1). 1 of the submissions does not count toward it. Last evaluated 2024-03-25.

Conditions:
Medulloblastoma (MDB). Also called: Medulloblastoma, somatic; MEDULLOBLASTOMA PREDISPOSITION SYNDROME. Identifiers: Orphanet 616, MedGen C0025149, MeSH D008527, MONDO:0007959, OMIM 155255, HP:0002885.
Familial dysautonomia. Also called: HSAN III; FD. Identifiers: Orphanet 1764, MedGen C0013364, MONDO:0009131, OMIM 223900. Disease mechanism: loss of function.

Allele frequency attached by ClinVar (database versions not stated): ESP Exome Variant Server 0.00008; gnomAD exomes 0.00008 and 0.00019; 1000 Genomes Project 0.00020; ExAC 0.00022; gnomAD 0.00025 and 0.00026; TOPMed 0.00027; 1000 Genomes Project 30x 0.00031.
gnomAD v4.1: 151 of 1,613,762 alleles (0.0094%); highest among the groups gnomAD compares: African/African-American, 0.067%; no homozygotes.

Submissions (7):

Fulgent Genetics
Classification: Uncertain significance for Medulloblastoma; Familial dysautonomia. Last evaluated: 2024-03-25. Review status: criteria provided, single submitter. Criteria: ACMG Guidelines, 2015. Collection method: clinical testing. Allele origin: germline.

Women's Health and Genetics/Laboratory Corporation of America, LabCorp
Classification: Uncertain significance. Last evaluated: 2023-08-04. Review status: criteria provided, single submitter. Criteria: LabCorp Variant Classification Summary - May 2015. Collection method: clinical testing. Allele origin: germline.
Comment: Variant summary: ELP1 c.947C>T (p.Pro316Leu) results in a non-conservative amino acid change in the encoded protein sequence. Four of five in-silico tools predict a benign effect of the variant on protein function. The variant allele was found at a frequency of 0.00022 in 282846 control chromosomes (gnomAD). This frequency is not significantly higher than estimated for a pathogenic variant in ELP1 causing Familial Dysautonomia (0.00022 vs 0.0018), allowing no conclusion about variant significance. To our knowledge, no occurrence of c.947C>T in individuals affected with Familial Dysautonomia and no experimental evidence demonstrating its impact on protein function have been reported. Six ClinVar submitters have assessed the variant since 2014: five classified the variant as uncertain significance and one as likely benign. Based on the evidence outlined above, the variant was classified as uncertain significance.

Labcorp Genetics (formerly Invitae), Labcorp
Classification: Uncertain significance. Last evaluated: 2022-08-16. Review status: criteria provided, single submitter. Criteria: Invitae Variant Classification Sherloc (09022015). Collection method: clinical testing. Allele origin: germline.
Comment: This sequence change replaces proline, which is neutral and non-polar, with leucine, which is neutral and non-polar, at codon 316 of the ELP1 protein (p.Pro316Leu). This variant is present in population databases (rs374814563, gnomAD 0.08%). This variant has not been reported in the literature in individuals affected with ELP1-related conditions. ClinVar contains an entry for this variant (Variation ID: 364577). Algorithms developed to predict the effect of missense changes on protein structure and function output the following: SIFT: "Tolerated"; PolyPhen-2: "Benign"; Align-GVGD: "Class C0". The leucine amino acid residue is found in multiple mammalian species, which suggests that this missense change does not adversely affect protein function. In summary, the available evidence is currently insufficient to determine the role of this variant in disease. Therefore, it has been classified as a Variant of Uncertain Significance.

Ambry Genetics
Classification: Likely benign. Last evaluated: 2021-08-19. Review status: criteria provided, single submitter. Criteria: Ambry Variant Classification Scheme 2023. Collection method: clinical testing. Allele origin: germline.

Illumina Laboratory Services, Illumina
Classification: Uncertain significance for Familial dysautonomia. Last evaluated: 2018-01-12. Review status: criteria provided, single submitter. Criteria: ICSL Variant Classification Criteria 13 December 2019. Collection method: clinical testing. Allele origin: germline.

GeneDx
Classification: Uncertain significance. Last evaluated: 2017-05-18. Review status: criteria provided, single submitter. Criteria: GeneDx Variant Classification (06012015). Collection method: clinical testing. Allele origin: germline. Affected: yes.
Comment: A variant of uncertain significance has been identified in the IKBKAP gene. The P316L variant has not been published as a pathogenic variant, nor has it been reported as a benign variant to our knowledge. The P316L variant is observed in 12/10,406 (0.1%) alleles from individuals of African background (Lek et al., 2016; 1000 Genomes Consortium et al., 2015; Exome Variant Server). The P316L variant is a semi-conservative amino acid substitution, which may impact secondary protein structure as these residues differ in some properties. However, this substitution occurs at a position that is not conserved. In silico analysis predicts this variant likely does not alter the protein structure/function. Therefore, based on the currently available information, it is unclear whether this variant is a pathogenic variant or a rare benign variant.

Natera, Inc.
Classification: Uncertain significance for Hereditary sensory and autonomic neuropathy type III. Last evaluated: 2020-01-17. Review status: no assertion criteria provided. Collection method: clinical testing. Allele origin: germline. Not counted in ClinVar's aggregate classification.